The following is an entry in ClinVar:

NM_144997.7(FLCN):c.*526T>C

Gene: FLCN (folliculin; minus strand). Cytogenetic location: 17p11.2.
Variant type: single nucleotide variant.
Coding change: c.*526T>C on transcript NM_144997.7 (MANE Select); 526 bases downstream of the stop codon, T replaced by C.
Molecular consequence: 3 prime UTR variant.
Genome position (GRCh38, 1-based): chr17:17,213,129, A>G on the plus strand (T>C on the coding strand, the complement: FLCN is on the minus strand). VCF-style: chr17-17213129-A-G. GRCh37 (hg19) VCF-style: chr17-17116443-A-G.
Other names: c.*526T>C (LRG_325t1, NM_001353229.2, NM_001353230.2 and 1 more transcripts).
Identifiers: ClinVar variation 322050 (VCV000322050.5), dbSNP rs574547835, ClinGen allele CA10644964.

ClinVar aggregate classification (germline): Benign/Likely benign. Review status: criteria provided, single submitter (1 of 4 stars). 2 submissions from 1 submitter: Benign (1); Likely benign (1). Last evaluated 2018-01-12.

Conditions:
Familial spontaneous pneumothorax (PSP). Identifiers: Orphanet 2903, MedGen C1868193, MONDO:0008259, OMIM 173600.
Birt-Hogg-Dube syndrome. Also called: Birt Hogg Dubé syndrome. Identifiers: Orphanet 122, MedGen C0346010, MONDO:0800444.

Allele frequency attached by ClinVar (database versions not stated): gnomAD exomes 0.00038; 1000 Genomes Project 30x 0.00203; gnomAD 0.00217 and 0.00235; 1000 Genomes Project 0.00240; TOPMed 0.00244.
gnomAD v4.1: 380 of 281,140 alleles (0.14%); highest among the groups gnomAD compares: African/African-American, 0.75%; 3 homozygotes.

Submissions (2):

Illumina Laboratory Services, Illumina
Classification: Benign for Birt-Hogg-Dube syndrome 1. Last evaluated: 2018-01-12. Review status: criteria provided, single submitter. Criteria: ICSL Variant Classification Criteria 13 December 2019. Collection method: clinical testing. Allele origin: germline.
Comment: This variant was observed in the ICSL laboratory as part of a predisposition screen in an ostensibly healthy population. It had not been previously curated by ICSL or reported in the Human Gene Mutation Database (HGMD: prior to June 1st, 2018), and was therefore a candidate for classification through an automated scoring system. Utilizing variant allele frequency, disease prevalence and penetrance estimates, and inheritance mode, an automated score was calculated to assess if this variant is too frequent to cause the disease. Based on the score and internal cut-off values, a variant classified as benign is not then subjected to further curation. The score for this variant resulted in a classification of benign for this disease.

Illumina Laboratory Services, Illumina
Classification: Likely benign for Familial spontaneous pneumothorax. Last evaluated: 2018-01-12. Review status: criteria provided, single submitter. Criteria: ICSL Variant Classification Criteria 13 December 2019. Collection method: clinical testing. Allele origin: germline.
Comment: This variant was observed in the ICSL laboratory as part of a predisposition screen in an ostensibly healthy population. It had not been previously curated by ICSL or reported in the Human Gene Mutation Database (HGMD: prior to June 1st, 2018), and was therefore a candidate for classification through an automated scoring system. Utilizing variant allele frequency, disease prevalence and penetrance estimates, and inheritance mode, an automated score was calculated to assess if this variant is too frequent to cause the disease. Based on the score and internal cut-off values, a variant classified as likely benign is not then subjected to further curation. The score for this variant resulted in a classification of likely benign for this disease.